The following is an entry in ClinVar:

ClinVar aggregate classification (germline): Pathogenic. Review status: criteria provided, multiple submitters, no conflicts (2 of 4 stars). 2 submissions from 2 submitters: Pathogenic (2). Last evaluated 2025-10-21.

Conditions:
Glycogen storage disease IXb (GSD9B). Also called: GLYCOGENOSIS OF LIVER AND MUSCLE, AUTOSOMAL RECESSIVE; GSD IXb; PHOSPHORYLASE KINASE DEFICIENCY OF LIVER AND MUSCLE, AUTOSOMAL RECESSIVE. Identifiers: Orphanet 79240, MedGen C0543514, MONDO:0009868, OMIM 261750.

Submissions (2):

Labcorp Genetics (formerly Invitae), Labcorp
Classification: Pathogenic for Glycogen storage disease IXb. Last evaluated: 2025-10-21. Review status: criteria provided, single submitter. Criteria: Invitae Variant Classification Sherloc (09022015). Collection method: clinical testing. Allele origin: germline.
Comment: This sequence change creates a premature translational stop signal (p.Gln191Hisfs*5) in the PHKB gene. It is expected to result in an absent or disrupted protein product. Loss-of-function variants in PHKB are known to be pathogenic (PMID: 9215682, 9326319). This variant is present in population databases (no rsID available, gnomAD 0.002%). This premature translational stop signal has been observed in individual(s) with glycogen storage disease (PMID: 21646031, 31508908). This variant is also known as c.572_576delAGATT. ClinVar contains an entry for this variant (Variation ID: 1683502). For these reasons, this variant has been classified as Pathogenic.

Laboratorio de Genetica e Diagnostico Molecular, Hospital Israelita Albert Einstein
Classification: Pathogenic for Glycogen storage disease IXb. Last evaluated: 2021-06-21. Review status: criteria provided, single submitter. Criteria: ACMG Guidelines, 2015. Collection method: clinical testing. Allele origin: germline. Affected: yes.
Comment: ACMG classification criteria: PVS1 very strong, PS4 supporting, PM3 moderate

Literature cited by the submitters: PubMed 9215682 (cited by Labcorp Genetics (formerly Invitae), Labcorp); PubMed 9326319 (cited by Labcorp Genetics (formerly Invitae), Labcorp); PubMed 21646031 (cited by Labcorp Genetics (formerly Invitae), Labcorp); PubMed 31508908 (cited by Labcorp Genetics (formerly Invitae), Labcorp).

NM_000293.3(PHKB):c.573_577del (p.Gln191fs)

Gene: PHKB (phosphorylase kinase regulatory subunit beta; plus strand). Cytogenetic location: 16q12.1.
Variant type: Deletion.
Coding change: c.573_577del on transcript NM_000293.3 (MANE Select); coding-DNA positions 573 to 577, 5 bases deleted (GATTA; older notation c.573_577delGATTA).
Protein change: p.Gln191fs; shifts the reading frame from glutamine 191.
Molecular consequence: frameshift variant.
Genome position (GRCh38, 1-based): chr16:47,515,580-47,515,584, GATTA deleted; deleting any 5 consecutive bases within chr16:47,515,579-47,515,584 gives the same sequence; the c. name uses the placement nearest the transcript's 3' end. VCF-style (leftmost placement, unchanged base first): chr16-47515578-CAGATT-C. GRCh37 (hg19) VCF-style: chr16-47549489-CAGATT-C.
Other names: c.552_556del, p.Gln184fs (NM_001031835.3); c.573_577del, p.Gln191fs (NM_001363837.1); short protein forms Q184fs, Q191fs.
Identifiers: ClinVar variation 1683502 (VCV001683502.7), dbSNP rs1233197046, ClinGen allele CA622392192.